The following is an entry in ClinVar:

ClinVar aggregate classification (germline): Benign/Likely benign. Review status: criteria provided, multiple submitters, no conflicts (2 of 4 stars). 5 submissions from 5 submitters: Benign (2); Likely benign (3). Last evaluated 2025-11-23.

Conditions:
WNK1-related disorder. Also called: WNK1-related condition.
Inborn genetic diseases. Identifiers: MedGen C0950123, MeSH D030342.
Neuropathy, hereditary sensory and autonomic, type 2A (HSAN2A). Also called: ACROOSTEOLYSIS, GIACCAI TYPE; ACROOSTEOLYSIS, NEUROGENIC; NEUROPATHY, CONGENITAL SENSORY; NEUROPATHY, HEREDITARY SENSORY RADICULAR, AUTOSOMAL RECESSIVE; NEUROPATHY, HEREDITARY SENSORY, TYPE IIA; NEUROPATHY, PROGRESSIVE SENSORY, OF CHILDREN. Identifiers: Orphanet 970, MedGen C2752089, MONDO:0024309, OMIM 201300.
Pseudohypoaldosteronism type 2C (PHA2C). Also called: Pseudohypoaldosteronism Type IIC. Identifiers: Orphanet 757, Orphanet 88940, MedGen C1840391, MONDO:0013778, OMIM 614492.

Allele frequency attached by ClinVar (database versions not stated): gnomAD 0.00026 and below 0.00001; 1000 Genomes Project 30x 0.00187; 1000 Genomes Project 0.00220; TOPMed 0.00003.
gnomAD v4.1: 804 of 1,613,758 alleles (0.05%); highest among the groups gnomAD compares: South Asian, 0.84%; 10 homozygotes.

Submissions (5):

Labcorp Genetics (formerly Invitae), Labcorp
Classification: Likely benign for Neuropathy, hereditary sensory and autonomic, type 2A; Pseudohypoaldosteronism type 2C. Last evaluated: 2025-11-23. Review status: criteria provided, single submitter. Criteria: Invitae Variant Classification Sherloc (09022015). Collection method: clinical testing. Allele origin: germline.

PreventionGenetics, part of Exact Sciences
Classification: Benign for WNK1-related condition. Last evaluated: 2025-08-13. Review status: criteria provided, single submitter. Criteria: ACMG Guidelines, 2015. Collection method: clinical testing. Allele origin: germline.
Comment: This variant is classified as benign based on ACMG/AMP sequence variant interpretation guidelines (Richards et al. 2015 PMID: 25741868, with internal and published modifications).

Blueprint Genetics
Classification: Likely benign. Last evaluated: 2024-06-19. Review status: criteria provided, single submitter. Criteria: ACMG Guidelines, 2015. Collection method: clinical testing. Allele origin: germline.

Ambry Genetics
Classification: Likely benign for Inborn genetic diseases. Last evaluated: 2020-09-09. Review status: criteria provided, single submitter. Criteria: Ambry Variant Classification Scheme 2023. Collection method: clinical testing. Allele origin: germline.

Illumina Laboratory Services, Illumina
Classification: Benign for Pseudohypoaldosteronism type 2C. Last evaluated: 2018-01-13. Review status: criteria provided, single submitter. Criteria: ICSL Variant Classification Criteria 13 December 2019. Collection method: clinical testing. Allele origin: germline.
Comment: This variant was observed in the ICSL laboratory as part of a predisposition screen in an ostensibly healthy population. It had not been previously curated by ICSL or reported in the Human Gene Mutation Database (HGMD: prior to June 1st, 2018), and was therefore a candidate for classification through an automated scoring system. Utilizing variant allele frequency, disease prevalence and penetrance estimates, and inheritance mode, an automated score was calculated to assess if this variant is too frequent to cause the disease. Based on the score and internal cut-off values, a variant classified as benign is not then subjected to further curation. The score for this variant resulted in a classification of benign for this disease.

NM_018979.4(WNK1):c.6032C>A (p.Ser2011Tyr)

Gene: WNK1 (WNK lysine deficient protein kinase 1; plus strand). Cytogenetic location: 12p13.33.
Variant type: single nucleotide variant.
Coding change: c.6032C>A on transcript NM_018979.4 (MANE Select); coding-DNA position 6032, C replaced by A.
Protein change: p.Ser2011Tyr; replaces serine 2011 with tyrosine.
Molecular consequence: missense variant.
Genome position (GRCh38, 1-based): chr12:896,519, C>A. VCF-style: chr12-896519-C-A. GRCh37 (hg19) VCF-style: chr12-1005685-C-A.
Other names: c.6812C>A, p.Ser2271Tyr (NM_001184985.2); c.5288C>A, p.Ser1763Tyr (NM_014823.3); c.6788C>A, p.Ser2263Tyr (NM_213655.5); short protein forms S2263Y, S2011Y, S2271Y, S1763Y.
Identifiers: ClinVar variation 306616 (VCV000306616.19), dbSNP rs560836712, ClinGen allele CA6383316.
Genomic context (GRCh38, chr12:896,519, plus strand): 5'-CTGTGATACCAAAGAAAGAGAAGCCTGAACTGTCAGAGCCTTCACATCTAAATGGGCCGT[C>A]TTCTGACCCGGAGGCCGCTTTTTTAAGTAGGGATGTGGATGATGGTTCCGGTAGTCCACA-3'
Protein context (NP_061852.3, residues 2001-2021): LSEPSHLNGP[Ser2011Tyr]SDPEAAFLSR